The following is an entry in ClinVar:

NM_138387.4(G6PC3):c.735C>A (p.Ser245Arg)

Gene: G6PC3 (glucose-6-phosphatase catalytic subunit 3; plus strand). Cytogenetic location: 17q21.31.
Variant type: single nucleotide variant.
Coding change: c.735C>A on transcript NM_138387.4 (MANE Select); coding-DNA position 735, C replaced by A.
Protein change: p.Ser245Arg; replaces serine 245 with arginine.
Molecular consequence: missense variant. On other transcripts: 3 prime UTR variant (1).
Genome position (GRCh38, 1-based): chr17:44,075,737, C>A. VCF-style: chr17-44075737-C-A. GRCh37 (hg19) VCF-style: chr17-42153105-C-A.
Other names: c.*28C>A (NM_001319945.2); c.390C>A, p.Ser130Arg (NM_001384165.1, NM_001384166.1, NM_001384167.1 and 1 more transcripts); short protein forms S245R, S130R.
Identifiers: ClinVar variation 938673 (VCV000938673.1), dbSNP rs2050088788, ClinGen allele CA399729218.
Genomic context (GRCh38, chr17:44,075,737, plus strand): 5'-CAGGTCCATCAGCCTAGCCTTCAAGTGGTGTGAGCGGCCTGAGTGGATACACGTGGATAG[C>A]CGGCCCTTTGCCTCCCTGAGCCGTGACTCAGGGGCTGCCCTGGGCCTGGGCATTGCCTTG-3'
Protein context (NP_612396.1, residues 235-255): CERPEWIHVD[Ser245Arg]RPFASLSRDS

ClinVar aggregate classification (germline): Uncertain significance (1 of 4 stars; one submission).

Conditions:
Autosomal recessive severe congenital neutropenia due to G6PC3 deficiency. Also called: G6PC3 Deficiency; NEUTROPENIA, SEVERE CONGENITAL, 4, AUTOSOMAL RECESSIVE. Identifiers: Orphanet 331176, MedGen C2751630, MONDO:0012930, OMIM 612541.

Submission:

Labcorp Genetics (formerly Invitae), Labcorp
Classification: Uncertain significance for Severe congenital neutropenia 4, autosomal recessive. Last evaluated: 2019-06-19. Review status: criteria provided, single submitter. Criteria: Invitae Variant Classification Sherloc (09022015). Collection method: clinical testing. Allele origin: germline.
Comment: This sequence change replaces serine with arginine at codon 245 of the G6PC3 protein (p.Ser245Arg). The serine residue is weakly conserved and there is a moderate physicochemical difference between serine and arginine. This variant is not present in population databases (ExAC no frequency). This variant has not been reported in the literature in individuals with G6PC3-related conditions. Algorithms developed to predict the effect of missense changes on protein structure and function are either unavailable or do not agree on the potential impact of this missense change (SIFT: "Deleterious"; PolyPhen-2: "Benign"; Align-GVGD: "Class C0"). In summary, the available evidence is currently insufficient to determine the role of this variant in disease. Therefore, it has been classified as a Variant of Uncertain Significance.